The following is an entry in ClinVar:

ClinVar aggregate classification (germline): Uncertain significance (1 of 4 stars; one submission).

Conditions:
Rhabdoid tumor predisposition syndrome 2 (RTPS2). Identifiers: Orphanet 231108, Orphanet 69077, MedGen C2750074, MONDO:0013224, OMIM 613325.

Submission:

Labcorp Genetics (formerly Invitae), Labcorp
Classification: Uncertain significance for Rhabdoid tumor predisposition syndrome 2. Last evaluated: 2025-02-02. Review status: criteria provided, single submitter. Criteria: Invitae Variant Classification Sherloc (09022015). Collection method: clinical testing. Allele origin: germline.
Comment: This sequence change replaces histidine, which is basic and polar, with glutamine, which is neutral and polar, at codon 346 of the SMARCA4 protein (p.His346Gln). This variant is not present in population databases (gnomAD no frequency). This variant has not been reported in the literature in individuals affected with SMARCA4-related conditions. An algorithm developed to predict the effect of missense changes on protein structure and function (PolyPhen-2) suggests that this variant is likely to be tolerated. In summary, the available evidence is currently insufficient to determine the role of this variant in disease. Therefore, it has been classified as a Variant of Uncertain Significance.

NM_003072.5(SMARCA4):c.1038C>A (p.His346Gln)

Gene: SMARCA4 (SWI/SNF related BAF chromatin remodeling complex subunit ATPase 4; plus strand). Cytogenetic location: 19p13.2.
Variant type: single nucleotide variant.
Coding change: c.1038C>A on transcript NM_003072.5 (MANE Select); coding-DNA position 1038, C replaced by A.
Protein change: p.His346Gln; replaces histidine 346 with glutamine.
Molecular consequence: missense variant. On other transcripts: non-coding transcript variant (1).
Genome position (GRCh38, 1-based): chr19:10,987,844, C>A. VCF-style: chr19-10987844-C-A. GRCh37 (hg19) VCF-style: chr19-11098520-C-A.
Other names: c.1038C>A, p.His346Gln (NM_001128844.3, NM_001128845.2, NM_001128846.2 and 6 more transcripts); short protein forms H346Q.
Identifiers: ClinVar variation 3720611 (VCV003720611.2).